The following is an entry in ClinVar:

NM_000632.4(ITGAM):c.2954G>A (p.Arg985His)

Gene: ITGAM (integrin subunit alpha M; plus strand). Cytogenetic location: 16p11.2.
Variant type: single nucleotide variant.
Coding change: c.2954G>A on transcript NM_000632.4 (MANE Select); coding-DNA position 2954, G replaced by A.
Protein change: p.Arg985His; replaces arginine 985 with histidine.
Molecular consequence: missense variant.
Genome position (GRCh38, 1-based): chr16:31,329,883, G>A. VCF-style: chr16-31329883-G-A. GRCh37 (hg19) VCF-style: chr16-31341204-G-A.
Other names: c.2954G>A (NM_000632.3); c.2957G>A, p.Arg986His (NM_001145808.2); short protein forms R985H, R986H.
Identifiers: ClinVar variation 1928447 (VCV001928447.6), dbSNP rs375032701, ClinGen allele CA8026017.
Genomic context (GRCh38, chr16:31,329,883, plus strand): 5'-TCCCCATCAGCCTGGTGTTCTTGGTGCCCGTCCGGCTGAACCAGACTGTCATATGGGACC[G>A]CCCCCAGGTCACCTTCTCCGAGGTGAGCGGAGCTCGGCCTGACTCCTGCACGGCCCTGCG-3'
Protein context (NP_000623.2, residues 975-995): VRLNQTVIWD[Arg985His]PQVTFSENLS

ClinVar aggregate classification (germline): Uncertain significance. Review status: criteria provided, multiple submitters, no conflicts (2 of 4 stars). 2 submissions from 2 submitters: Uncertain significance (2). Last evaluated 2025-11-11.

Allele frequency attached by ClinVar (database versions not stated): TOPMed 0.00001; gnomAD 0.00004; ESP Exome Variant Server 0.00008; gnomAD exomes 0.00008; ExAC 0.00012; 1000 Genomes Project 30x 0.00016.
gnomAD v4.1: 118 of 1,562,326 alleles (0.0076%); highest among the groups gnomAD compares: Non-Finnish European, 0.01%; no homozygotes.

Submissions (2):

Labcorp Genetics (formerly Invitae), Labcorp
Classification: Uncertain significance. Last evaluated: 2025-11-11. Review status: criteria provided, single submitter. Criteria: Invitae Variant Classification Sherloc (09022015). Collection method: clinical testing. Allele origin: germline.
Comment: This sequence change replaces arginine, which is basic and polar, with histidine, which is basic and polar, at codon 985 of the ITGAM protein (p.Arg985His). The frequency data for this variant in the population databases is considered unreliable, as metrics indicate poor data quality at this position in the gnomAD database. This variant has not been reported in the literature in individuals affected with ITGAM-related conditions. ClinVar contains an entry for this variant (Variation ID: 1928447). An algorithm developed to predict the effect of missense changes on protein structure and function outputs the following: PolyPhen-2: "Benign". The histidine amino acid residue is found in multiple mammalian species, which suggests that this missense change does not adversely affect protein function. In summary, the available evidence is currently insufficient to determine the role of this variant in disease. Therefore, it has been classified as a Variant of Uncertain Significance.

Ambry Genetics
Classification: Uncertain significance. Last evaluated: 2025-10-22. Review status: criteria provided, single submitter. Criteria: Ambry Variant Classification Scheme 2023. Collection method: clinical testing. Allele origin: germline.